The following is an entry in ClinVar:

NM_022124.6(CDH23):c.1263C>T (p.Tyr421=)

Gene: CDH23 (cadherin related 23; plus strand). Cytogenetic location: 10q22.1.
Variant type: single nucleotide variant.
Coding change: c.1263C>T on transcript NM_022124.6 (MANE Select); coding-DNA position 1263, C replaced by T.
Protein change: p.Tyr421=; no amino-acid change (tyrosine 421 retained).
Molecular consequence: synonymous variant.
Genome position (GRCh38, 1-based): chr10:71,645,953, C>T. VCF-style: chr10-71645953-C-T. GRCh37 (hg19) VCF-style: chr10-73405710-C-T.
Other names: c.1263C>T, p.Tyr421= (NM_001171930.2, NM_001171931.2, NM_052836.4).
Identifiers: ClinVar variation 682600 (VCV000682600.13), dbSNP rs528720730, ClinGen allele CA5543743.
Genomic context (GRCh38, chr10:71,645,953, plus strand): 5'-CCCGACCTCCGTCCAGGGGAAGGCGGACATTCGTATTCGGGTGGCCATCCCACTGGACTA[C>T]GAGACCGTGGACCGCTACGACTTTGATGTAAGGCCCCACTCACTGGCATTTTGGAGTGGG-3'
Protein context (NP_071407.4, residues 411-431): IRIRVAIPLD[Tyr421=]ETVDRYDFDL

ClinVar aggregate classification (germline): Likely benign. Review status: criteria provided, multiple submitters, no conflicts (2 of 4 stars). 5 submissions from 5 submitters: Likely benign (4). 1 of the submissions does not count toward it. Last evaluated 2025-09-02.

Conditions:
CDH23-related disorder. Also called: CDH23-related condition; CDH23-related disorders.
Usher syndrome type 1 (USH1). Also called: RETINITIS PIGMENTOSA AND CONGENITAL DEAFNESS. Identifiers: Orphanet 231169, Orphanet 886, MedGen C1568247, MONDO:0010168, OMIM 276900.

Allele frequency attached by ClinVar (database versions not stated): gnomAD exomes 0.00001 and 0.00004; ExAC 0.00002; gnomAD 0.00002 and 0.00003; TOPMed 0.00002; 1000 Genomes Project 30x 0.00016; 1000 Genomes Project 0.00020.
gnomAD v4.1: 19 of 1,613,274 alleles (0.0012%); highest among the groups gnomAD compares: Middle Eastern, 0.066%; 1 homozygote.

Submissions (5):

Labcorp Genetics (formerly Invitae), Labcorp
Classification: Likely benign. Last evaluated: 2025-09-02. Review status: criteria provided, single submitter. Criteria: Invitae Variant Classification Sherloc (09022015). Collection method: clinical testing. Allele origin: germline.

PreventionGenetics, part of Exact Sciences
Classification: Likely benign for CDH23-related condition. Last evaluated: 2025-02-07. Review status: criteria provided, single submitter. Criteria: ACMG Guidelines, 2015. Collection method: clinical testing. Allele origin: germline.
Comment: This variant is classified as likely benign based on ACMG/AMP sequence variant interpretation guidelines (Richards et al. 2015 PMID: 25741868, with internal and published modifications).

Blueprint Genetics
Classification: Likely benign. Last evaluated: 2021-04-07. Review status: criteria provided, single submitter. Criteria: ACMG Guidelines, 2015. Collection method: clinical testing. Allele origin: germline.

GeneDx
Classification: Likely benign. Last evaluated: 2018-04-30. Review status: criteria provided, single submitter. Criteria: GeneDx Variant Classification (06012015). Collection method: clinical testing. Allele origin: germline. Affected: yes.
Comment: This variant is considered likely benign or benign based on one or more of the following criteria: it is a conservative change, it occurs at a poorly conserved position in the protein, it is predicted to be benign by multiple in silico algorithms, and/or has population frequency not consistent with disease.

Natera, Inc.
Classification: Likely benign for Usher syndrome type 1. Last evaluated: 2020-10-06. Review status: no assertion criteria provided. Collection method: clinical testing. Allele origin: germline. Not counted in ClinVar's aggregate classification.